The following is an entry in ClinVar:

ClinVar aggregate classification (germline): Pathogenic. Review status: criteria provided, multiple submitters, no conflicts (2 of 4 stars). 2 submissions from 2 submitters: Pathogenic (2). Last evaluated 2024-07-16.

Conditions:
Breast-ovarian cancer, familial, susceptibility to, 2 (BROVCA2). Also called: BRCA2 Hereditary Breast and Ovarian Cancer. Identifiers: Orphanet 145, MedGen C2675520, MONDO:0012933, OMIM 612555. Disease mechanism: loss of function.
Hereditary breast ovarian cancer syndrome. Also called: Hereditary breast and/or ovarian cancer syndrome; Hereditary breast and ovarian cancer syndrome (HBOC); Breast and ovarian cancer; Hereditary breast and ovarian cancer syndrome; Hereditary breast and ovarian cancer; BRCA1- and BRCA2-Associated Hereditary Breast and Ovarian Cancer. Identifiers: Orphanet 145, MedGen C0677776, MeSH D061325, MONDO:0003582. Disease mechanism: loss of function.

Submissions (2):

Labcorp Genetics (formerly Invitae), Labcorp
Classification: Pathogenic for Hereditary breast ovarian cancer syndrome. Last evaluated: 2024-07-16. Review status: criteria provided, single submitter. Criteria: Invitae Variant Classification Sherloc (09022015). Collection method: clinical testing. Allele origin: germline.
Comment: This sequence change creates a premature translational stop signal (p.Thr2097Asnfs*3) in the BRCA2 gene. It is expected to result in an absent or disrupted protein product. Loss-of-function variants in BRCA2 are known to be pathogenic (PMID: 20104584). This variant is not present in population databases (gnomAD no frequency). This variant has not been reported in the literature in individuals affected with BRCA2-related conditions. For these reasons, this variant has been classified as Pathogenic.

Myriad Genetics, Inc.
Classification: Pathogenic for Breast-ovarian cancer, familial, susceptibility to, 2. Last evaluated: 2023-09-19. Review status: criteria provided, single submitter. Criteria: Myriad Autosomal Dominant, Autosomal Recessive and X-Linked Classification Criteria (2023). Collection method: clinical testing. Allele origin: unknown.
Comment: This variant is considered pathogenic. This variant creates a frameshift predicted to result in premature protein truncation.

Literature cited by the submitters: PubMed 20104584 (cited by Labcorp Genetics (formerly Invitae), Labcorp).

NM_000059.4(BRCA2):c.6289dup (p.Thr2097fs)

Gene: BRCA2 (BRCA2 DNA repair associated; plus strand). Cytogenetic location: 13q13.1.
Variant type: Duplication.
Coding change: c.6289dup on transcript NM_000059.4 (MANE Select); coding-DNA position 6289, one base duplicated (A; older notation c.6289dupA).
Protein change: p.Thr2097fs; shifts the reading frame from threonine 2097.
Molecular consequence: frameshift variant. On other transcripts: non-coding transcript variant (1), intron variant (2).
Genome position (GRCh38, 1-based): chr13:32,340,644, A duplicated. VCF-style (leftmost placement, unchanged base first): chr13-32340643-T-TA. GRCh37 (hg19) VCF-style: chr13-32914780-T-TA.
Other names: c.6289dup, p.Thr2097fs (NM_001406719.1, NM_001406720.1); c.1910-3914dup (NM_001406721.1); c.425-3914dup (NM_001406722.1); short protein forms T2097fs.
Identifiers: ClinVar variation 2674547 (VCV002674547.3), dbSNP rs2548532975, ClinGen allele CA2695199691.